The following is an entry in ClinVar:

NM_182961.4(SYNE1):c.20068-29dup

Gene: SYNE1 (spectrin repeat containing nuclear envelope protein 1; minus strand). Cytogenetic location: 6q25.2.
Variant type: Duplication.
Coding change: c.20068-29dup on transcript NM_182961.4 (MANE Select); 29 bases into the intron before coding-DNA position 20068, one base duplicated (T; older notation c.20068-29dupT).
Molecular consequence: intron variant.
Genome position (GRCh38, 1-based): chr6:152,236,977, A duplicated on the plus strand (T on the coding strand, the reverse complement: SYNE1 is on the minus strand); the first of 7 consecutive A bases (chr6:152,236,977-152,236,983); duplicating any one gives the same sequence. VCF-style (leftmost placement, unchanged base first): chr6-152236976-T-TA. GRCh37 (hg19) VCF-style: chr6-152558111-T-TA.
Other names: c.19855-29dup (NM_033071.5); c.19855-29dupT (NM_033071.3).
Identifiers: ClinVar variation 262177 (VCV000262177.2), dbSNP rs36215566, ClinGen allele CA4054503.
Genomic context (GRCh38, chr6:152,236,976, plus strand): 5'-CTCCTGCTGGTCCTCATCCAGATGGGACCACGTCTAGAAACACAACATGAGTCTGTGAGC[T>TA]AAAAAAACCCTCATTAGCGAAAGACATTCTTCCTTGGGTGCAAAATACGTGCCTGACAGT-3'

ClinVar aggregate classification (germline): Benign/Likely benign. Review status: criteria provided, multiple submitters, no conflicts (2 of 4 stars). 2 submissions from 2 submitters: Benign (1); Likely benign (1). Last evaluated 2018-06-14.

Submissions (2):

GeneDx
Classification: Benign. Last evaluated: 2018-06-14. Review status: criteria provided, single submitter. Criteria: GeneDx Variant Classification (06012015). Collection method: clinical testing. Allele origin: germline. Affected: yes.
Comment: This variant is considered likely benign or benign based on one or more of the following criteria: it is a conservative change, it occurs at a poorly conserved position in the protein, it is predicted to be benign by multiple in silico algorithms, and/or has population frequency not consistent with disease.

PreventionGenetics, part of Exact Sciences
Classification: Likely benign. Review status: criteria provided, single submitter. Criteria: ACMG Guidelines, 2015. Collection method: clinical testing. Allele origin: germline.